The following is an entry in ClinVar:

NM_000238.4(KCNH2):c.970C>A (p.Leu324Ile)

Gene: KCNH2 (potassium voltage-gated channel subfamily H member 2; minus strand). Cytogenetic location: 7q36.1.
Variant type: single nucleotide variant.
Coding change: c.970C>A on transcript NM_000238.4 (MANE Select); coding-DNA position 970, C replaced by A.
Protein change: p.Leu324Ile; replaces leucine 324 with isoleucine.
Molecular consequence: missense variant. On other transcripts: non-coding transcript variant (1).
Genome position (GRCh38, 1-based): chr7:150,957,449, G>T on the plus strand (C>A on the coding strand, the complement: KCNH2 is on the minus strand). VCF-style: chr7-150957449-G-T. GRCh37 (hg19) VCF-style: chr7-150654537-G-T.
Other names: c.970C>A, p.Leu324Ile (NM_172056.3); c.682C>A, p.Leu228Ile (NM_001406753.1, NM_001406756.1); c.793C>A, p.Leu265Ile (NM_001406755.1); c.670C>A, p.Leu224Ile (NM_001406757.1); short protein forms L224I, L228I, L324I, L265I.
Identifiers: ClinVar variation 3670530 (VCV003670530.3).

ClinVar aggregate classification (germline): Uncertain significance. Review status: criteria provided, multiple submitters, no conflicts (2 of 4 stars). 2 submissions from 2 submitters: Uncertain significance (2). Last evaluated 2025-06-30.

Conditions:
Long QT syndrome (LQTS). Identifiers: MedGen C0023976, MeSH D008133, MONDO:0002442. Disease mechanism: loss of function. Inheritance: Various modes of inheritance.
Cardiac arrhythmia. Also called: Arrhythmia; Cardiac rhythm disease. Identifiers: MedGen C0003811, MONDO:0007263, HP:0011675.

Submissions (2):

Color Diagnostics, LLC DBA Color Health
Classification: Uncertain significance for Cardiac arrhythmia. Last evaluated: 2025-06-30. Review status: criteria provided, single submitter. Criteria: ACMG Guidelines, 2015. Collection method: clinical testing. Allele origin: germline.
Comment: This missense variant replaces leucine with isoleucine at codon 324 of the KCNH2 protein. Computational prediction is inconclusive regarding the impact of this variant on protein structure and function. To our knowledge, functional studies have not been reported for this variant. This variant has not been reported in individuals affected with KCNH2-related disorders in the literature. This variant has not been identified in the general population by the Genome Aggregation Database (gnomAD). The available evidence is insufficient to determine the role of this variant in disease conclusively. Therefore, this variant is classified as a Variant of Uncertain Significance.

Labcorp Genetics (formerly Invitae), Labcorp
Classification: Uncertain significance for Long QT syndrome. Last evaluated: 2025-01-02. Review status: criteria provided, single submitter. Criteria: Invitae Variant Classification Sherloc (09022015). Collection method: clinical testing. Allele origin: germline.
Comment: This sequence change replaces leucine, which is neutral and non-polar, with isoleucine, which is neutral and non-polar, at codon 324 of the KCNH2 protein (p.Leu324Ile). This variant is not present in population databases (gnomAD no frequency). This variant has not been reported in the literature in individuals affected with KCNH2-related conditions. An algorithm developed to predict the effect of missense changes on protein structure and function (PolyPhen-2) suggests that this variant is likely to be disruptive. In summary, the available evidence is currently insufficient to determine the role of this variant in disease. Therefore, it has been classified as a Variant of Uncertain Significance.